The following is an entry in ClinVar:

ClinVar aggregate classification (germline): Uncertain significance (1 of 4 stars; one submission).

Allele frequency attached by ClinVar (database versions not stated): gnomAD exomes below 0.00001; ExAC 0.00001.
gnomAD v4.1: 2 of 1,613,970 alleles (0.00012%); highest among the groups gnomAD compares: South Asian, 0.0011%; no homozygotes.

Submission:

Labcorp Genetics (formerly Invitae), Labcorp
Classification: Uncertain significance. Last evaluated: 2025-10-06. Review status: criteria provided, single submitter. Criteria: Invitae Variant Classification Sherloc (09022015). Collection method: clinical testing. Allele origin: germline.
Comment: This sequence change replaces valine, which is neutral and non-polar, with isoleucine, which is neutral and non-polar, at codon 186 of the TIMM50 protein (p.Val186Ile). This variant is present in population databases (rs749117614, gnomAD 0.003%). This variant has not been reported in the literature in individuals affected with TIMM50-related conditions. ClinVar contains an entry for this variant (Variation ID: 1391697). An algorithm developed to predict the effect of missense changes on protein structure and function outputs the following: PolyPhen-2: "Benign". The isoleucine amino acid residue is found in multiple mammalian species, which suggests that this missense change does not adversely affect protein function. In summary, the available evidence is currently insufficient to determine the role of this variant in disease. Therefore, it has been classified as a Variant of Uncertain Significance.

NM_001001563.5(TIMM50):c.247G>A (p.Val83Ile)

Gene: TIMM50 (translocase of inner mitochondrial membrane 50; plus strand). Cytogenetic location: 19q13.2.
Variant type: single nucleotide variant.
Coding change: c.247G>A on transcript NM_001001563.5 (MANE Select); coding-DNA position 247, G replaced by A.
Protein change: p.Val83Ile; replaces valine 83 with isoleucine.
Molecular consequence: missense variant. On other transcripts: 5 prime UTR variant (1).
Genome position (GRCh38, 1-based): chr19:39,482,021, G>A. VCF-style: chr19-39482021-G-A. GRCh37 (hg19) VCF-style: chr19-39972661-G-A.
Other names: c.-34G>A (NM_001329559.2); short protein forms V83I.
Identifiers: ClinVar variation 1391697 (VCV001391697.6), dbSNP rs749117614, ClinGen allele CA9431704.